The following is an entry in ClinVar:

ClinVar aggregate classification (germline): Uncertain significance (1 of 4 stars; one submission).

Conditions:
PLEKHA7-related disorder. Also called: PLEKHA7-related condition.

gnomAD v4.1: 11 of 702,510 alleles (0.0016%); highest among the groups gnomAD compares: African/African-American, 0.007%; no homozygotes.

Submission:

PreventionGenetics, part of Exact Sciences
Classification: Uncertain significance for PLEKHA7-related condition. Last evaluated: 2026-01-06. Review status: criteria provided, single submitter. Criteria: ACMG Guidelines, 2015. Collection method: clinical testing. Allele origin: germline.
Comment: The PLEKHA7 c.3812C>T variant is predicted to result in the amino acid substitution p.Pro1271Leu. To our knowledge, this variant has not been reported in the literature. This variant is reported in 0.011% of alleles in individuals of African descent in gnomAD. At this time, the clinical significance of this variant is uncertain due to the absence of conclusive functional and genetic evidence.

NM_001329630.2(PLEKHA7):c.3812C>T (p.Pro1271Leu)

Gene: PLEKHA7 (pleckstrin homology domain containing A7; minus strand). Cytogenetic location: 11p15.2.
Variant type: single nucleotide variant.
Coding change: c.3812C>T on transcript NM_001329630.2 (MANE Select); coding-DNA position 3812, C replaced by T.
Protein change: p.Pro1271Leu; replaces proline 1271 with leucine.
Molecular consequence: missense variant.
Genome position (GRCh38, 1-based): chr11:16,779,002, G>A on the plus strand (C>T on the coding strand, the complement: PLEKHA7 is on the minus strand). VCF-style: chr11-16779002-G-A. GRCh37 (hg19) VCF-style: chr11-16800549-G-A.
Other names: c.3815C>T, p.Pro1272Leu (NM_001410960.1); short protein forms P1271L, P1272L.
Identifiers: ClinVar variation 4990445 (VCV004990445.1).